The following is an entry in ClinVar:

NM_030665.4(RAI1):c.5139C>T (p.Pro1713=)

Gene: RAI1 (retinoic acid induced 1; plus strand). Cytogenetic location: 17p11.2.
Variant type: single nucleotide variant.
Coding change: c.5139C>T on transcript NM_030665.4 (MANE Select); coding-DNA position 5139, C replaced by T.
Protein change: p.Pro1713=; no amino-acid change (proline 1713 retained).
Molecular consequence: synonymous variant.
Genome position (GRCh38, 1-based): chr17:17,798,087, C>T. VCF-style: chr17-17798087-C-T. GRCh37 (hg19) VCF-style: chr17-17701401-C-T.
Other names: c.5139C>T (NM_030665.3).
Identifiers: ClinVar variation 2731246 (VCV002731246.4), dbSNP rs772545047, ClinGen allele CA8419092.

ClinVar aggregate classification (germline): Likely benign. Review status: criteria provided, single submitter (1 of 4 stars). 2 submissions from 2 submitters: Likely benign (1). 1 of the submissions does not count toward it. Last evaluated 2024-04-10.

Conditions:
RAI1-related disorder. Also called: RAI1-related condition.

Allele frequency attached by ClinVar (database versions not stated): ExAC 0.00002; gnomAD 0.00003; TOPMed 0.00006.
gnomAD v4.1: 8 of 1,613,888 alleles (0.0005%); highest among the groups gnomAD compares: African/African-American, 0.011%; no homozygotes.

Submissions (2):

Labcorp Genetics (formerly Invitae), Labcorp
Classification: Likely benign. Last evaluated: 2024-04-10. Review status: criteria provided, single submitter. Criteria: Invitae Variant Classification Sherloc (09022015). Collection method: clinical testing. Allele origin: germline.

PreventionGenetics, part of Exact Sciences
Classification: Likely benign for RAI1-related condition. Last evaluated: 2022-02-17. Review status: no assertion criteria provided. Collection method: clinical testing. Allele origin: germline. Not counted in ClinVar's aggregate classification.
Comment: This variant is classified as likely benign based on ACMG/AMP sequence variant interpretation guidelines (Richards et al. 2015 PMID: 25741868, with internal and published modifications).